The following is an entry in ClinVar:

NM_001164508.2(NEB):c.13713C>A (p.Tyr4571Ter)

Gene: NEB (nebulin; minus strand). Cytogenetic location: 2q23.3.
Variant type: single nucleotide variant.
Coding change: c.13713C>A on transcript NM_001164508.2 (MANE Select); coding-DNA position 13713, C replaced by A.
Protein change: p.Tyr4571Ter; replaces tyrosine 4571 with a stop codon.
Molecular consequence: nonsense. On other transcripts: intron variant (1).
Genome position (GRCh38, 1-based): chr2:151,600,517, G>T on the plus strand (C>A on the coding strand, the complement: NEB is on the minus strand). VCF-style: chr2-151600517-G-T. GRCh37 (hg19) VCF-style: chr2-152457031-G-T.
Other names: c.13713C>A, p.Tyr4571Ter (NM_001164507.2, NM_001271208.2); c.11601+9292C>A (NM_004543.5); short protein forms Y4571*.
Identifiers: ClinVar variation 2157671 (VCV002157671.4), dbSNP rs2153902894, ClinGen allele CA348768334.

ClinVar aggregate classification (germline): Pathogenic (1 of 4 stars; one submission).

Conditions:
Nemaline myopathy 2 (NEM2). Also called: Nemaline myopathy 2, autosomal recessive. Identifiers: MedGen C1850569, MONDO:0009725, OMIM 256030.

Submission:

Labcorp Genetics (formerly Invitae), Labcorp
Classification: Pathogenic for Nemaline myopathy 2. Last evaluated: 2022-07-21. Review status: criteria provided, single submitter. Criteria: Invitae Variant Classification Sherloc (09022015). Collection method: clinical testing. Allele origin: germline.
Comment: This variant occurs in a region of NEB (Exons 82-105) consisting of three highly homologous 8-exon repeat units (exons 82-89, exons 90-97, exons 98-105). Sequence variants in this region can be detected, but this assay cannot determine which of the three repeat units is affected, and zygosity is often ambiguous. All variants in this region are reported relative to the exon 82-89 repeat. It is expected to result in an absent or disrupted protein product. Loss-of-function variants in NEB are known to be pathogenic (PMID: 25205138). The frequency data for this variant in the population databases (gnomAD) is considered unreliable due to the presence of homologous sequence, such as pseudogenes or paralogs, in the genome. This variant has not been reported in the literature in individuals affected with NEB-related conditions. Algorithms developed to predict the effect of sequence changes on RNA splicing suggest that this variant may create or strengthen a splice site. For these reasons, this variant has been classified as Pathogenic.

Literature cited by the submitters: PubMed 25205138.